The following is an entry in ClinVar:

ClinVar aggregate classification (germline): Uncertain significance (1 of 4 stars; one submission).

gnomAD v4.1: 5 of 1,613,580 alleles (0.00031%); highest among the groups gnomAD compares: Non-Finnish European, 0.00042%; no homozygotes.

Submission:

Dasa
Classification: Uncertain significance. Last evaluated: 2024-12-31. Review status: criteria provided, single submitter. Criteria: DASA Assertion Criteria. Collection method: clinical testing. Allele origin: germline.
Comment: NM_016252.4(BIRC6):c.11544G>A (p.Met3848Ile) is a missense variant that results in the substitution of methionine with isoleucine. This variant is rare in population databases. Computational prediction algorithms are consistent with a benign effect. The currently available literature and clinical evidence are not sufficient to establish a definitive association between this variant and the reported condition. Therefore, this variant is classified as a variant of uncertain significance.

NM_016252.4(BIRC6):c.11544G>A (p.Met3848Ile)

Gene: BIRC6 (baculoviral IAP repeat containing 6; plus strand). Cytogenetic location: 2p22.3.
Variant type: single nucleotide variant.
Coding change: c.11544G>A on transcript NM_016252.4 (MANE Select); coding-DNA position 11544, G replaced by A.
Protein change: p.Met3848Ile; replaces methionine 3848 with isoleucine.
Molecular consequence: missense variant.
Genome position (GRCh38, 1-based): chr2:32,518,867, G>A. VCF-style: chr2-32518867-G-A. GRCh37 (hg19) VCF-style: chr2-32743934-G-A.
Other names: c.11541G>A, p.Met3847Ile (NM_001378125.1); short protein forms M3847I, M3848I.
Identifiers: ClinVar variation 5021023 (VCV005021023.1).